The following is an entry in ClinVar:

NM_001122681.2(SH3BP2):c.*3758T>G

Gene: SH3BP2 (SH3 domain binding protein 2; plus strand). Cytogenetic location: 4p16.3.
Variant type: single nucleotide variant.
Coding change: c.*3758T>G on transcript NM_001122681.2 (MANE Select); 3758 bases downstream of the stop codon, T replaced by G.
Molecular consequence: 3 prime UTR variant.
Genome position (GRCh38, 1-based): chr4:2,837,592, T>G. VCF-style: chr4-2837592-T-G. GRCh37 (hg19) VCF-style: chr4-2839319-T-G.
Other names: c.*3758T>G (NM_001145855.2, NM_001145856.2, NM_003023.4).
Identifiers: ClinVar variation 901525 (VCV000901525.4), dbSNP rs567254636, ClinGen allele CA91417971.
Genomic context (GRCh38, chr4:2,837,592, plus strand): 5'-TGGGGCCATTTCATAGAAAGGCAGATTGAAGCTCAGCAGGGAAGAGGCTTTTGAGGGTGA[T>G]CCAGGCGCTGGAGGGATGGCCTAGGACACCAGGGTCACACCAGGAACATGGGAGGGCCGT-3'

ClinVar aggregate classification (germline): Benign (1 of 4 stars; one submission).

Conditions:
Fibrous dysplasia of jaw (CRBM). Also called: Cherubism. Identifiers: Orphanet 184, MedGen C0008029, MONDO:0007315, OMIM 118400.

Allele frequency attached by ClinVar (database versions not stated): 1000 Genomes Project 0.00180; 1000 Genomes Project 30x 0.00203; gnomAD 0.00243 and 0.00265; TOPMed 0.00279.

Submission:

Illumina Laboratory Services, Illumina
Classification: Benign for Fibrous dysplasia of jaw. Last evaluated: 2018-01-13. Review status: criteria provided, single submitter. Criteria: ICSL Variant Classification Criteria 13 December 2019. Collection method: clinical testing. Allele origin: germline.
Comment: This variant was observed in the ICSL laboratory as part of a predisposition screen in an ostensibly healthy population. It had not been previously curated by ICSL or reported in the Human Gene Mutation Database (HGMD: prior to June 1st, 2018), and was therefore a candidate for classification through an automated scoring system. Utilizing variant allele frequency, disease prevalence and penetrance estimates, and inheritance mode, an automated score was calculated to assess if this variant is too frequent to cause the disease. Based on the score and internal cut-off values, a variant classified as benign is not then subjected to further curation. The score for this variant resulted in a classification of benign for this disease.